The following is an entry in ClinVar:

NM_012280.4(FTSJ1):c.205G>A (p.Gly69Ser)

Gene: FTSJ1 (FtsJ RNA 2'-O-methyltransferase 1; plus strand). Cytogenetic location: Xp11.23.
Variant type: single nucleotide variant.
Coding change: c.205G>A on transcript NM_012280.4 (MANE Select); coding-DNA position 205, G replaced by A.
Protein change: p.Gly69Ser; replaces glycine 69 with serine.
Molecular consequence: missense variant. On other transcripts: intron variant (1).
Genome position (GRCh38, 1-based): chrX:48,478,630, G>A. VCF-style: chrX-48478630-G-A. GRCh37 (hg19) VCF-style: chrX-48337018-G-A.
Other names: c.205G>A, p.Gly69Ser (NM_001441195.1, NM_001441196.1, NM_001441197.1 and 4 more transcripts); c.-76-408G>A (NM_001282157.2); short protein forms G69S.
Identifiers: ClinVar variation 1785200 (VCV001785200.2), dbSNP rs782012239, ClinGen allele CA10402505.
Genomic context (GRCh38, chrX:48,478,630, plus strand): 5'-GGGGCCCGGGAGCGAAACTAGGCTGATGTGGGCCATGTTGTCCACAGGGGCCAAGGGTCC[G>A]GCCACGTGGTGGCTGTGGACCTGCAGGCTATGGCTCCACTACCAGGTGTGGTACAGATCC-3'
Protein context (NP_036412.1, residues 59-79): LSQKIGGQGS[Gly69Ser]HVVAVDLQAM

ClinVar aggregate classification (germline): Uncertain significance (1 of 4 stars; one submission).

Conditions:
Inborn genetic diseases. Identifiers: MedGen C0950123, MeSH D030342.

Allele frequency attached by ClinVar (database versions not stated): TOPMed below 0.00001; ExAC 0.00001; gnomAD exomes 0.00002.
gnomAD v4.1: 21 of 1,208,365 alleles (0.0017%); highest among the groups gnomAD compares: Non-Finnish European, 0.0024%; no homozygotes.

Submission:

Ambry Genetics
Classification: Uncertain significance for Inborn genetic diseases. Last evaluated: 2018-03-06. Review status: criteria provided, single submitter. Criteria: Ambry Variant Classification Scheme 2023. Collection method: clinical testing. Allele origin: germline.
Comment: The p.G69S variant (also known as c.205G>A), located in coding exon 3 of the FTSJ1 gene, results from a G to A substitution at nucleotide position 205. The glycine at codon 69 is replaced by serine, an amino acid with similar properties. This amino acid position is not well conserved in available vertebrate species, and serine is the reference amino acid in other vertebrate species. In addition, this alteration is predicted to be tolerated by in silico analysis. Since supporting evidence is limited at this time, the clinical significance of this alteration remains unclear.